The following is an entry in ClinVar:

NM_182925.5(FLT4):c.2059C>T (p.Leu687Phe)

Gene: FLT4 (fms related receptor tyrosine kinase 4; minus strand). Cytogenetic location: 5q35.3.
Variant type: single nucleotide variant.
Coding change: c.2059C>T on transcript NM_182925.5 (MANE Select); coding-DNA position 2059, C replaced by T.
Protein change: p.Leu687Phe; replaces leucine 687 with phenylalanine.
Molecular consequence: missense variant.
Genome position (GRCh38, 1-based): chr5:180,621,214, G>A on the plus strand (C>T on the coding strand, the complement: FLT4 is on the minus strand). VCF-style: chr5-180621214-G-A. GRCh37 (hg19) VCF-style: chr5-180048214-G-A.
Other names: c.2059C>T, p.Leu687Phe (NM_001354989.2, NM_002020.5); short protein forms L687F.
Identifiers: ClinVar variation 2635972 (VCV002635972.2), dbSNP rs139399208, ClinGen allele CA3606513.

ClinVar aggregate classification (germline): Uncertain significance (1 of 4 stars; one submission).

Conditions:
FLT4-related disorder. Also called: FLT4-related condition.

gnomAD v4.1: 4 of 1,612,688 alleles (0.00025%); highest among the groups gnomAD compares: African/African-American, 0.0027%; no homozygotes.

Submission:

PreventionGenetics, part of Exact Sciences
Classification: Uncertain significance for FLT4-related condition. Last evaluated: 2024-10-29. Review status: criteria provided, single submitter. Criteria: ACMG Guidelines, 2015. Collection method: clinical testing. Allele origin: germline.
Comment: The FLT4 c.2059C>T variant is predicted to result in the amino acid substitution p.Leu687Phe. To our knowledge, this variant has not been reported in the literature. This variant is reported in 0.0065% of alleles in individuals of African descent in gnomAD. At this time, the clinical significance of this variant is uncertain due to the absence of conclusive functional and genetic evidence.